The following is an entry in ClinVar:

NM_005391.5(PDK3):c.336G>C (p.Leu112=)

Gene: PDK3 (pyruvate dehydrogenase kinase 3; plus strand). Cytogenetic location: Xp22.11.
Variant type: single nucleotide variant.
Coding change: c.336G>C on transcript NM_005391.5 (MANE Select); coding-DNA position 336, G replaced by C.
Protein change: p.Leu112=; no amino-acid change (leucine 112 retained).
Molecular consequence: synonymous variant.
Genome position (GRCh38, 1-based): chrX:24,503,342, G>C. VCF-style: chrX-24503342-G-C. GRCh37 (hg19) VCF-style: chrX-24521459-G-C.
Other names: c.336G>C, p.Leu112= (NM_001142386.3).
Identifiers: ClinVar variation 474052 (VCV000474052.14), dbSNP rs372442017, ClinGen allele CA10372278.
Genomic context (GRCh38, chrX:24,503,342, plus strand): 5'-CATGAGATATTAAGACTGACCACGTTTTGTTTCCCTCTCACACAGCTTTCTACAAGTTCT[G>C]ATTAAAGTCAGAAATAGACACAATGATGTGGTTCCTACAATGGCACAAGGAGTGATTGAA-3'
Protein context (NP_005382.1, residues 102-122): PQVLDNFLQV[Leu112=]IKVRNRHNDV

ClinVar aggregate classification (germline): Likely benign. Review status: criteria provided, multiple submitters, no conflicts (2 of 4 stars). 3 submissions from 3 submitters: Likely benign (3). Last evaluated 2026-02-24.

Conditions:
PDK3-related disorder. Also called: PDK3-related condition.
Charcot-Marie-Tooth disease X-linked dominant 6. Also called: CHARCOT-MARIE-TOOTH NEUROPATHY, X-LINKED DOMINANT, 6. Identifiers: Orphanet 352675, MedGen C3806702, MONDO:0010479, OMIM 300905.

Allele frequency attached by ClinVar (database versions not stated): ExAC 0.00002; gnomAD exomes 0.00002 and 0.00004; gnomAD 0.00009 and 0.00008; ESP Exome Variant Server 0.00019; TOPMed 0.00005.
gnomAD v4.1: 57 of 1,200,497 alleles (0.0047%); highest among the groups gnomAD compares: Non-Finnish European, 0.0058%; no homozygotes.

Submissions (3):

PreventionGenetics, part of Exact Sciences
Classification: Likely benign for PDK3-related condition. Last evaluated: 2026-02-24. Review status: criteria provided, single submitter. Criteria: ACMG Guidelines, 2015. Collection method: clinical testing. Allele origin: germline.
Comment: This variant is classified as likely benign based on ACMG/AMP sequence variant interpretation guidelines (Richards et al. 2015 PMID: 25741868, with internal and published modifications).

Labcorp Genetics (formerly Invitae), Labcorp
Classification: Likely benign for Charcot-Marie-Tooth disease X-linked dominant 6. Last evaluated: 2025-10-21. Review status: criteria provided, single submitter. Criteria: Invitae Variant Classification Sherloc (09022015). Collection method: clinical testing. Allele origin: germline.

Ambry Genetics
Classification: Likely benign. Last evaluated: 2019-07-11. Review status: criteria provided, single submitter. Criteria: Ambry Variant Classification Scheme 2023. Collection method: clinical testing. Allele origin: germline.